The following is an entry in ClinVar:

NM_000051.4(ATM):c.8278del (p.Leu2760fs)

Genes: ATM (ATM serine/threonine kinase; plus strand), C11orf65 (chromosome 11 open reading frame 65; minus strand). Cytogenetic location: 11q22.3.
Variant type: Deletion.
Coding change: c.8278del on transcript NM_000051.4 (MANE Select); coding-DNA position 8278, one base deleted (C; older notation c.8278delC).
Protein change: p.Leu2760fs; shifts the reading frame from leucine 2760.
Molecular consequence: frameshift variant. On other transcripts: intron variant (2).
Genome position (GRCh38, 1-based): chr11:108,343,231, C deleted; the last of 4 consecutive C bases (chr11:108,343,228-108,343,231); deleting any one gives the same sequence. VCF-style (leftmost placement, unchanged base first): chr11-108343227-TC-T. GRCh37 (hg19) VCF-style: chr11-108213954-TC-T.
Other names: c.8278delC, p.Leu2760Serfs (NM_000051.3); c.8278del, p.Leu2760fs (NM_001351834.2); c.641-34157del (NM_001330368.2); c.695-7936del (NM_001351110.2); short protein forms L2760fs.
Identifiers: ClinVar variation 851293 (VCV000851293.10), dbSNP rs1486627670, ClinGen allele CA601698824.

ClinVar aggregate classification (germline): Pathogenic. Review status: criteria provided, multiple submitters, no conflicts (2 of 4 stars). 2 submissions from 2 submitters: Pathogenic (2). Last evaluated 2026-07-16.

Conditions:
Hereditary cancer-predisposing syndrome. Also called: Tumor predisposition; Neoplastic Syndromes, Hereditary; Hereditary Cancer Syndrome; Hereditary neoplastic syndrome. Identifiers: Orphanet 140162, MedGen C0027672, MeSH D009386, MONDO:0015356.
Ataxia-telangiectasia syndrome (AT). Also called: ATAXIA-TELANGIECTASIA, COMPLEMENTATION GROUP A; ATAXIA-TELANGIECTASIA, FRESNO VARIANT; Ataxia-telangiectasia; Ataxia-telangiectasia, complementation group D; AT, COMPLEMENTATION GROUP C; Ataxia-telangiectasia, complementation group E. Identifiers: Orphanet 100, MedGen C0004135, MONDO:0008840, OMIM 208900.

Submissions (2):

Ambry Genetics
Classification: Pathogenic for Hereditary cancer-predisposing syndrome. Last evaluated: 2026-07-16. Review status: criteria provided, single submitter. Criteria: Ambry Variant Classification Scheme 2023. Collection method: clinical testing. Allele origin: germline.
Comment: The c.8278delC pathogenic mutation, located in coding exon 56 of the ATM gene, results from a deletion of one nucleotide at nucleotide position 8278, causing a translational frameshift with a predicted alternate stop codon (p.L2760Sfs*46). This alteration is expected to result in loss of function by premature protein truncation or nonsense-mediated mRNA decay. As such, this alteration is interpreted as a disease-causing mutation.

Labcorp Genetics (formerly Invitae), Labcorp
Classification: Pathogenic for Ataxia-telangiectasia syndrome. Last evaluated: 2019-02-08. Review status: criteria provided, single submitter. Criteria: Invitae Variant Classification Sherloc (09022015). Collection method: clinical testing. Allele origin: germline.
Comment: This variant has not been reported in the literature in individuals with ATM-related conditions. This variant is not present in population databases (ExAC no frequency). This sequence change creates a premature translational stop signal (p.Leu2760Serfs*46) in the ATM gene. It is expected to result in an absent or disrupted protein product. For these reasons, this variant has been classified as Pathogenic. Loss-of-function variants in ATM are known to be pathogenic (PMID: 23807571, 25614872).

Literature cited by the submitters: PubMed 23807571 (cited by Labcorp Genetics (formerly Invitae), Labcorp); PubMed 25614872 (cited by Labcorp Genetics (formerly Invitae), Labcorp).